The following is an entry in ClinVar:

ClinVar aggregate classification (germline): Conflicting classifications of pathogenicity. Review status: criteria provided, conflicting classifications (1 of 4 stars). 4 submissions from 4 submitters: Uncertain significance (1); Likely benign (3). Last evaluated 2025-10-28.

Conditions:
Familial thoracic aortic aneurysm and aortic dissection (TAAD). Also called: Thoracic aortic aneurysms and dissections. Identifiers: Orphanet 91387, MedGen C4707243, MONDO:0019625.
Heterotopia, periventricular, X-linked dominant (PVNH1). Also called: PERIVENTRICULAR NODULAR HETEROTOPIA 1; PERIVENTRICULAR NODULAR HETEROTOPIA 4; HETEROTOPIA, PERIVENTRICULAR, 1; X-linked periventricular heterotopia. Identifiers: Orphanet 2149, Orphanet 82004, MedGen C1848213, MONDO:0010233, OMIM 300049.
Melnick-Needles syndrome (MNS). Also called: Melnick-Needles Syndrome (FLNA-MNS); MELNICK-NEEDLES OSTEODYSPLASTY; OSTEODYSPLASTY OF MELNICK AND NEEDLES. Identifiers: Orphanet 2484, MedGen C0025237, MONDO:0010650, OMIM 309350.
Frontometaphyseal dysplasia (FMD1). Identifiers: Orphanet 1826, MedGen C0265293, MONDO:0015942.
Oto-palato-digital syndrome, type II (OPD2). Also called: Otopalatodigital Syndrome, Type II; Otopalatodigital Syndrome Type 2 (FLNA-OPD2); FACIOPALATOOSSEOUS SYNDROME; OPD II SYNDROME. Identifiers: Orphanet 669, Orphanet 90652, MedGen C1844696, MONDO:0010571, OMIM 304120.

Allele frequency attached by ClinVar (database versions not stated): gnomAD 0.00001; ExAC 0.00002; gnomAD exomes 0.00002.
gnomAD v4.1: 10 of 1,210,266 alleles (0.00083%); highest among the groups gnomAD compares: South Asian, 0.0053%; no homozygotes.

Submissions (4):

Labcorp Genetics (formerly Invitae), Labcorp
Classification: Likely benign for Oto-palato-digital syndrome, type II; Heterotopia, periventricular, X-linked dominant; Frontometaphyseal dysplasia; Melnick-Needles syndrome. Last evaluated: 2025-10-28. Review status: criteria provided, single submitter. Criteria: Invitae Variant Classification Sherloc (09022015). Collection method: clinical testing. Allele origin: germline.

Ambry Genetics
Classification: Likely benign for Familial thoracic aortic aneurysm and aortic dissection. Last evaluated: 2024-05-09. Review status: criteria provided, single submitter. Criteria: Ambry Variant Classification Scheme 2023. Collection method: clinical testing. Allele origin: germline.

Blueprint Genetics
Classification: Uncertain significance. Last evaluated: 2022-02-23. Review status: criteria provided, single submitter. Criteria: ACMG Guidelines, 2015. Collection method: clinical testing. Allele origin: germline.

GeneDx
Classification: Likely benign. Last evaluated: 2020-10-13. Review status: criteria provided, single submitter. Criteria: GeneDx Variant Classification Process June 2021. Collection method: clinical testing. Allele origin: germline. Affected: yes.
Comment: In silico analysis supports that this missense variant does not alter protein structure/function; Has not been previously published as pathogenic or benign to our knowledge

NM_001110556.2(FLNA):c.6152G>A (p.Arg2051Gln)

Gene: FLNA (filamin A; minus strand). Cytogenetic location: Xq28.
Variant type: single nucleotide variant.
Coding change: c.6152G>A on transcript NM_001110556.2 (MANE Select); coding-DNA position 6152, G replaced by A.
Protein change: p.Arg2051Gln; replaces arginine 2051 with glutamine.
Molecular consequence: missense variant.
Genome position (GRCh38, 1-based): chrX:154,353,075, C>T on the plus strand (G>A on the coding strand, the complement: FLNA is on the minus strand). VCF-style: chrX-154353075-C-T. GRCh37 (hg19) VCF-style: chrX-153581443-C-T.
Other names: c.6128G>A, p.Arg2043Gln (NM_001456.4); short protein forms R2043Q, R2051Q.
Identifiers: ClinVar variation 1191118 (VCV001191118.10), dbSNP rs782483195, ClinGen allele CA10560155.